The following is an entry in ClinVar:

NM_004655.4(AXIN2):c.1790G>T (p.Gly597Val)

Gene: AXIN2 (axin 2; minus strand). Cytogenetic location: 17q24.1.
Variant type: single nucleotide variant.
Coding change: c.1790G>T on transcript NM_004655.4 (MANE Select); coding-DNA position 1790, G replaced by T.
Protein change: p.Gly597Val; replaces glycine 597 with valine.
Molecular consequence: missense variant. On other transcripts: intron variant (1).
Genome position (GRCh38, 1-based): chr17:65,536,986, C>A on the plus strand (G>T on the coding strand, the complement: AXIN2 is on the minus strand). VCF-style: chr17-65536986-C-A. GRCh37 (hg19) VCF-style: chr17-63533104-C-A.
Other names: c.1712+338G>T (NM_001363813.1); short protein forms G597V.
Identifiers: ClinVar variation 2562214 (VCV002562214.2), dbSNP rs2043935112, ClinGen allele CA400676612.
Genomic context (GRCh38, chr17:65,536,986, plus strand): 5'-TGCGACCTGTCTCCTTCCTCCCGGGGAAGCTGCAGGGCCCCAGCTCCGCCGGGGGCCCCT[C>A]CTTCCCTGGCGGGCAGGGCCAGGCCCGGCTCCGTGCCTTTCCCATTGCGTTTGGGCAAGG-3'
Protein context (NP_004646.3, residues 587-607): EPGLALPARE[Gly597Val]GAPGGAGALQ

ClinVar aggregate classification (germline): Uncertain significance (1 of 4 stars; one submission).

Conditions:
Hereditary cancer-predisposing syndrome. Also called: Neoplastic Syndromes, Hereditary; Hereditary Cancer Syndrome; Hereditary neoplastic syndrome; Tumor predisposition. Identifiers: Orphanet 140162, MedGen C0027672, MeSH D009386, MONDO:0015356.

Allele frequency attached by ClinVar (database versions not stated): TOPMed below 0.00001.

Submission:

Ambry Genetics
Classification: Uncertain significance for Hereditary cancer-predisposing syndrome. Last evaluated: 2023-05-04. Review status: criteria provided, single submitter. Criteria: Ambry Variant Classification Scheme 2023. Collection method: clinical testing. Allele origin: germline.
Comment: The p.G597V variant (also known as c.1790G>T), located in coding exon 6 of the AXIN2 gene, results from a G to T substitution at nucleotide position 1790. The glycine at codon 597 is replaced by valine, an amino acid with dissimilar properties. This amino acid position is conserved. In addition, this alteration is predicted to be tolerated by in silico analysis. Since supporting evidence is limited at this time, the clinical significance of this alteration remains unclear.